The following is an entry in ClinVar:

ClinVar aggregate classification (germline): Pathogenic (1 of 4 stars; one submission).

Conditions:
Developmental and epileptic encephalopathy, 9 (DEE9). Also called: EPILEPSY, FEMALE-RESTRICTED, WITH MENTAL RETARDATION; JUBERG-HELLMAN SYNDROME; Early infantile epileptic encephalopathy 9; PCDH19-Related X-Linked Female-Limited Epilepsy with Mental Retardation. Identifiers: Orphanet 101039, Orphanet 2076, MedGen C1848137, MONDO:0010246, OMIM 300088. Disease mechanism: loss of function.

Submission:

Labcorp Genetics (formerly Invitae), Labcorp
Classification: Pathogenic for Developmental and epileptic encephalopathy, 9. Last evaluated: 2019-11-07. Review status: criteria provided, single submitter. Criteria: Invitae Variant Classification Sherloc (09022015). Collection method: clinical testing. Allele origin: germline.
Comment: This sequence change creates a premature translational stop signal (p.Gln385Cysfs*185) in the PCDH19 gene. It is expected to result in an absent or disrupted protein product. This variant is not present in population databases (ExAC no frequency). This variant has not been reported in the literature in individuals with PCDH19-related conditions. Loss-of-function variants in PCDH19 are known to be pathogenic (PMID: 21053371). For these reasons, this variant has been classified as Pathogenic.

Literature cited by the submitters: PubMed 21053371.

NM_001184880.2(PCDH19):c.1151_1152dup (p.Gln385fs)

Gene: PCDH19 (protocadherin 19; minus strand). Cytogenetic location: Xq22.1.
Variant type: Microsatellite.
Coding change: c.1151_1152dup on transcript NM_001184880.2 (MANE Select); coding-DNA positions 1151 to 1152, 2 bases duplicated (TG; older notation c.1151_1152dupTG).
Protein change: p.Gln385fs; shifts the reading frame from glutamine 385.
Molecular consequence: frameshift variant.
Genome position (GRCh38, 1-based): chrX:100,407,446-100,407,447, CA duplicated on the plus strand (TG on the coding strand, the reverse complement: PCDH19 is on the minus strand); duplicating any 2 consecutive bases within chrX:100,407,446-100,407,450 gives the same sequence; the c. name uses the placement nearest the transcript's 3' end. VCF-style (leftmost placement, unchanged base first): chrX-100407445-G-GCA. GRCh37 (hg19) VCF-style: chrX-99662443-G-GCA.
Other names: c.1151_1152dup, p.Gln385fs (NM_001105243.2, NM_020766.3); short protein forms Q385fs.
Identifiers: ClinVar variation 961637 (VCV000961637.8), dbSNP rs1928405402, ClinGen allele CA2447976721.